The following is an entry in ClinVar:

NM_033118.4(MYLK2):c.1295+14G>A

Gene: MYLK2 (myosin light chain kinase 2; plus strand). Cytogenetic location: 20q11.21.
Variant type: single nucleotide variant.
Coding change: c.1295+14G>A on transcript NM_033118.4 (MANE Select); 14 bases into the intron after coding-DNA position 1295, G replaced by A.
Molecular consequence: intron variant.
Genome position (GRCh38, 1-based): chr20:31,830,903, G>A. VCF-style: chr20-31830903-G-A. GRCh37 (hg19) VCF-style: chr20-30418706-G-A.
Identifiers: ClinVar variation 1371641 (VCV001371641.6), dbSNP rs760629458, ClinGen allele CA9803161.

ClinVar aggregate classification (germline): Uncertain significance (1 of 4 stars; one submission).

Conditions:
Hypertrophic cardiomyopathy 1 (CMH1). Also called: MYH7-Related Familial Hypertrophic Cardiomyopathy; Familial hypertrophic cardiomyopathy 1. Identifiers: MedGen C3495498, MONDO:0008647, OMIM 192600.

Allele frequency attached by ClinVar (database versions not stated): gnomAD exomes below 0.00001; ExAC 0.00001.

Submission:

Labcorp Genetics (formerly Invitae), Labcorp
Classification: Uncertain significance for Hypertrophic cardiomyopathy 1. Last evaluated: 2021-08-02. Review status: criteria provided, single submitter. Criteria: Invitae Variant Classification Sherloc (09022015). Collection method: clinical testing. Allele origin: germline.
Comment: This variant is present in population databases (rs760629458, ExAC 0.006%). This sequence change falls in intron 9 of the MYLK2 gene. It does not directly change the encoded amino acid sequence of the MYLK2 protein. This variant has not been reported in the literature in individuals affected with MYLK2-related conditions. In summary, the available evidence is currently insufficient to determine the role of this variant in disease. Therefore, it has been classified as a Variant of Uncertain Significance. Algorithms developed to predict the effect of sequence changes on RNA splicing suggest that this variant may create or strengthen a splice site.